The following is an entry in ClinVar:

NM_006432.5(NPC2):c.62C>A (p.Pro21Gln)

Gene: NPC2 (NPC intracellular cholesterol transporter 2; minus strand). Cytogenetic location: 14q24.3.
Variant type: single nucleotide variant.
Coding change: c.62C>A on transcript NM_006432.5 (MANE Select); coding-DNA position 62, C replaced by A.
Protein change: p.Pro21Gln; replaces proline 21 with glutamine.
Molecular consequence: missense variant.
Genome position (GRCh38, 1-based): chr14:74,493,213, G>T on the plus strand (C>A on the coding strand, the complement: NPC2 is on the minus strand). VCF-style: chr14-74493213-G-T. GRCh37 (hg19) VCF-style: chr14-74959916-G-T.
Other names: c.62C>A, p.Pro21Gln (NM_001363688.1, NM_001375440.1); short protein forms P21Q.
Identifiers: ClinVar variation 2155702 (VCV002155702.4), dbSNP rs776749539, ClinGen allele CA390376677.

ClinVar aggregate classification (germline): Uncertain significance (1 of 4 stars; one submission).

Conditions:
Niemann-Pick disease, type C2 (NPC2). Identifiers: Orphanet 646, MedGen C1843366, MONDO:0011873, OMIM 607625.

gnomAD v4.1: 2 of 1,612,058 alleles (0.00012%); highest among the groups gnomAD compares: Non-Finnish European, 0.00017%; no homozygotes.

Submission:

Labcorp Genetics (formerly Invitae), Labcorp
Classification: Uncertain significance for Niemann-Pick disease, type C2. Last evaluated: 2022-11-08. Review status: criteria provided, single submitter. Criteria: Invitae Variant Classification Sherloc (09022015). Collection method: clinical testing. Allele origin: germline.
Comment: In summary, the available evidence is currently insufficient to determine the role of this variant in disease. Therefore, it has been classified as a Variant of Uncertain Significance. Algorithms developed to predict the effect of sequence changes on RNA splicing suggest that this variant may create or strengthen a splice site. Algorithms developed to predict the effect of missense changes on protein structure and function are either unavailable or do not agree on the potential impact of this missense change (SIFT: "Deleterious"; PolyPhen-2: "Possibly Damaging"; Align-GVGD: "Class C0"). This variant has not been reported in the literature in individuals affected with NPC2-related conditions. This variant is not present in population databases (gnomAD no frequency). This sequence change replaces proline, which is neutral and non-polar, with glutamine, which is neutral and polar, at codon 21 of the NPC2 protein (p.Pro21Gln).